The following is an entry in ClinVar:

ClinVar aggregate classification (germline): Pathogenic (1 of 4 stars; one submission).

Submission:

Clinical Genomics Laboratory, Laboratory for Precision Diagnostics, University of Washington
Classification: Pathogenic. Last evaluated: 2023-11-20. Review status: criteria provided, single submitter. Criteria: ACMG/ClinGen CNV Guidelines, 2019. Collection method: clinical testing. Allele origin: unknown. Affected: yes. Observed: 1 variant allele.
Comment: This terminal duplication is approximately 22.1 Mb in size and contains at least 176 protein-coding genes. Terminal duplications of chromosome 12q have been described several times. Common features include distinctive facial features; short stature; digit and extremity abnormalities, such as toe syndactyly, finger clinodactyly, single transverse palmar crease, flexion contracture of elbow or wrist, polydactyly; congenital heart defects, undescended testes, developmental delay and intellectual disability. Hypotonia has been reported (DECIPHER 394813, PMID: 36588755).

Literature cited by the submitters: PubMed 15216553; PubMed 36588755.

GRCh38/hg38 12q24.11-24.33(chr12:111176932-133275309)x3

Genes: LRCOL1 (leucine rich colipase like 1; minus strand), LRRC43 (leucine rich repeat containing 43; plus strand), MAP1LC3B2 (microtubule associated protein 1 light chain 3 beta 2; plus strand), MAPKAPK5 (MAPK activated protein kinase 5; plus strand), MAPKAPK5-AS1 (MAPKAPK5 antisense RNA 1; minus strand) and 1082 more. Cytogenetic location: 12q24.11-24.33.
Variant type: copy number gain.
Change: copy number 3 (three copies instead of two) of chr12:111,176,932-133,275,309 (22.10 Mb, GRCh38 coordinates, 1-based), cytogenetic band 12q24.11-24.33.
Identifiers: ClinVar variation 4890963 (VCV004890963.1).